The following is an entry in ClinVar:

ClinVar aggregate classification (germline): Uncertain significance. Review status: criteria provided, multiple submitters, no conflicts (2 of 4 stars). 2 submissions from 2 submitters: Uncertain significance (2). Last evaluated 2025-06-19.

Conditions:
Aicardi-Goutieres syndrome 7 (AGS7). Identifiers: Orphanet 51, MedGen C3888244, MONDO:0014367, OMIM 615846.
Singleton-Merten syndrome 1 (SGMRT1). Also called: Widened medullary cavities of bone, aortic calcification, abnormal dentition, and muscular weakness; Syndrome of widened medullary cavities of the metacarpals and phalanges, aortic calcification and abnormal dentition. Identifiers: Orphanet 85191, MedGen C4225427, MONDO:0024535, OMIM 182250.

Allele frequency attached by ClinVar (database versions not stated): gnomAD 0.00001; TOPMed 0.00001.

Submissions (2):

Labcorp Genetics (formerly Invitae), Labcorp
Classification: Uncertain significance for Aicardi-Goutieres syndrome 7; Singleton-Merten syndrome 1. Last evaluated: 2025-06-19. Review status: criteria provided, single submitter. Criteria: Invitae Variant Classification Sherloc (09022015). Collection method: clinical testing. Allele origin: germline.
Comment: This sequence change replaces glutamic acid, which is acidic and polar, with valine, which is neutral and non-polar, at codon 175 of the IFIH1 protein (p.Glu175Val). This variant is not present in population databases (gnomAD no frequency). This variant has not been reported in the literature in individuals affected with IFIH1-related conditions. ClinVar contains an entry for this variant (Variation ID: 1675799). Invitae Evidence Modeling of protein sequence and biophysical properties (such as structural, functional, and spatial information, amino acid conservation, physicochemical variation, residue mobility, and thermodynamic stability) has been performed for this missense variant. However, the output from this modeling did not meet the statistical confidence thresholds required to predict the impact of this variant on IFIH1 protein function. In summary, the available evidence is currently insufficient to determine the role of this variant in disease. Therefore, it has been classified as a Variant of Uncertain Significance.

CeGaT Center for Human Genetics Tuebingen
Classification: Uncertain significance. Last evaluated: 2022-01-01. Review status: criteria provided, single submitter. Criteria: CeGaT Center For Human Genetics Tuebingen Variant Classification Criteria Version 2. Collection method: clinical testing. Allele origin: germline. Affected: yes. Observed: 1 variant allele.

NM_022168.4(IFIH1):c.524A>T (p.Glu175Val)

Gene: IFIH1 (interferon induced with helicase C domain 1; minus strand). Cytogenetic location: 2q24.2.
Variant type: single nucleotide variant.
Coding change: c.524A>T on transcript NM_022168.4 (MANE Select); coding-DNA position 524, A replaced by T.
Protein change: p.Glu175Val; replaces glutamic acid 175 with valine.
Molecular consequence: missense variant.
Genome position (GRCh38, 1-based): chr2:162,310,863, T>A on the plus strand (A>T on the coding strand, the complement: IFIH1 is on the minus strand). VCF-style: chr2-162310863-T-A. GRCh37 (hg19) VCF-style: chr2-163167373-T-A.
Other names: short protein forms E175V.
Identifiers: ClinVar variation 1675799 (VCV001675799.37), dbSNP rs759418219, ClinGen allele CA349011350.
Genomic context (GRCh38, chr2:162,310,863, plus strand): 5'-TGGACAAGTTCATTGTTTCCTGTTTGACGAAGAACATTCAGAAATGCAGAGAACCAGTTT[T>A]CTTTCTGCACAATCCTTTTTAGTAGCTCTCTTACACCTGATTCATTTCCATTGTTTTCTG-3'
Protein context (NP_071451.2, residues 165-185): RELLKRIVQK[Glu175Val]NWFSAFLNVL